The following is an entry in ClinVar:

NM_000152.5(GAA):c.703A>G (p.Thr235Ala)

Gene: GAA (alpha glucosidase; plus strand). Cytogenetic location: 17q25.3.
Variant type: single nucleotide variant.
Coding change: c.703A>G on transcript NM_000152.5 (MANE Select); coding-DNA position 703, A replaced by G.
Protein change: p.Thr235Ala; replaces threonine 235 with alanine.
Molecular consequence: missense variant.
Genome position (GRCh38, 1-based): chr17:80,107,567, A>G. VCF-style: chr17-80107567-A-G. GRCh37 (hg19) VCF-style: chr17-78081366-A-G.
Other names: c.703A>G, p.Thr235Ala (NM_001079803.3, NM_001079804.3); short protein forms T235A.
Identifiers: ClinVar variation 1416144 (VCV001416144.7), dbSNP rs781731240, ClinGen allele CA8814996.
Genomic context (GRCh38, chr17:80,107,567, plus strand): 5'-TCGTGTGGCCCCTTGGGTGTGAGCAAGCCTGGCTGGCCTCTGTCCCGCAGGCTGAACACG[A>G]CGGTGGCGCCCCTGTTCTTTGCGGACCAGTTCCTTCAGCTGTCCACCTCGCTGCCCTCGC-3'
Protein context (NP_000143.2, residues 225-245): QLDGRVLLNT[Thr235Ala]VAPLFFADQF

ClinVar aggregate classification (germline): Uncertain significance (1 of 4 stars; one submission).

Conditions:
Glycogen storage disease, type II (IOPD). Also called: Glycogen storage disease type 2; Acid maltase deficiency disease; Aglucosidase alfa; Deficiency of alpha-glucosidase; Deficiency of lysosomal alpha-glucosidase; CARDIOMEGALIA GLYCOGENICA DIFFUSA. Identifiers: Orphanet 365, MedGen C0017921, MONDO:0009290, OMIM 232300.

Allele frequency attached by ClinVar (database versions not stated): gnomAD exomes below 0.00001; ExAC 0.00001.
gnomAD v4.1: 1 of 1,612,982 alleles (0.000062%); highest among the groups gnomAD compares: Non-Finnish European, 0.000085%; no homozygotes.

Submission:

Labcorp Genetics (formerly Invitae), Labcorp
Classification: Uncertain significance for Glycogen storage disease, type II. Last evaluated: 2024-09-09. Review status: criteria provided, single submitter. Criteria: Invitae Variant Classification Sherloc (09022015). Collection method: clinical testing. Allele origin: germline.
Comment: This sequence change replaces threonine, which is neutral and polar, with alanine, which is neutral and non-polar, at codon 235 of the GAA protein (p.Thr235Ala). This variant is present in population databases (rs781731240, gnomAD 0.0009%). This variant has not been reported in the literature in individuals affected with GAA-related conditions. ClinVar contains an entry for this variant (Variation ID: 1416144). Invitae Evidence Modeling of protein sequence and biophysical properties (such as structural, functional, and spatial information, amino acid conservation, physicochemical variation, residue mobility, and thermodynamic stability) indicates that this missense variant is not expected to disrupt GAA protein function with a negative predictive value of 95%. In summary, the available evidence is currently insufficient to determine the role of this variant in disease. Therefore, it has been classified as a Variant of Uncertain Significance.